The following is an entry in ClinVar:

ClinVar aggregate classification (germline): Uncertain significance (1 of 4 stars; one submission).

Allele frequency attached by ClinVar (database versions not stated): gnomAD exomes below 0.00001; gnomAD 0.00001; TOPMed 0.00002.
gnomAD v4.1: 4 of 1,614,082 alleles (0.00025%); highest among the groups gnomAD compares: Admixed American, 0.0033%; no homozygotes.

Submission:

Labcorp Genetics (formerly Invitae), Labcorp
Classification: Uncertain significance. Last evaluated: 2025-02-25. Review status: criteria provided, single submitter. Criteria: Invitae Variant Classification Sherloc (09022015). Collection method: clinical testing. Allele origin: germline.
Comment: This sequence change replaces isoleucine, which is neutral and non-polar, with valine, which is neutral and non-polar, at codon 1059 of the ERBIN protein (p.Ile1059Val). This variant is not present in population databases (gnomAD no frequency). This variant has not been reported in the literature in individuals affected with ERBIN-related conditions. ClinVar contains an entry for this variant (Variation ID: 1929201). An algorithm developed to predict the effect of missense changes on protein structure and function outputs the following: PolyPhen-2: "Benign". The valine amino acid residue is found in multiple mammalian species, which suggests that this missense change does not adversely affect protein function. In summary, the available evidence is currently insufficient to determine the role of this variant in disease. Therefore, it has been classified as a Variant of Uncertain Significance.

NM_001253697.2(ERBIN):c.3175A>G (p.Ile1059Val)

Gene: ERBIN (erbb2 interacting protein; plus strand). Cytogenetic location: 5q12.3.
Variant type: single nucleotide variant.
Coding change: c.3175A>G on transcript NM_001253697.2 (MANE Select); coding-DNA position 3175, A replaced by G.
Protein change: p.Ile1059Val; replaces isoleucine 1059 with valine.
Molecular consequence: missense variant.
Genome position (GRCh38, 1-based): chr5:66,054,493, A>G. VCF-style: chr5-66054493-A-G. GRCh37 (hg19) VCF-style: chr5-65350321-A-G.
Other names: c.3175A>G, p.Ile1059Val (NM_001006600.3, NM_001253698.2, NM_001253699.2 and 1 more transcripts); c.3163A>G, p.Ile1055Val (NM_001253701.2); short protein forms I1059V, I1055V.
Identifiers: ClinVar variation 1929201 (VCV001929201.5), dbSNP rs1352039032, ClinGen allele CA359869071.